The following is an entry in ClinVar:

NM_001199397.3(NEK1):c.3275T>C (p.Met1092Thr)

Gene: NEK1 (NIMA related kinase 1; minus strand). Cytogenetic location: 4q33.
Variant type: single nucleotide variant.
Coding change: c.3275T>C on transcript NM_001199397.3 (MANE Select); coding-DNA position 3275, T replaced by C.
Protein change: p.Met1092Thr; replaces methionine 1092 with threonine.
Molecular consequence: missense variant. On other transcripts: non-coding transcript variant (1).
Genome position (GRCh38, 1-based): chr4:169,406,695, A>G on the plus strand (T>C on the coding strand, the complement: NEK1 is on the minus strand). VCF-style: chr4-169406695-A-G. GRCh37 (hg19) VCF-style: chr4-170327846-A-G.
Other names: c.3143T>C, p.Met1048Thr (NM_001199398.3); c.2984T>C, p.Met995Thr (NM_001199399.3); c.3059T>C, p.Met1020Thr (NM_001199400.3); c.3275T>C, p.Met1092Thr (NM_001374418.1); c.3191T>C, p.Met1064Thr (NM_001374419.1, NM_012224.4); c.3140T>C, p.Met1047Thr (NM_001374420.1); c.2792T>C, p.Met931Thr (NM_001374421.1); short protein forms M931T, M995T, M1020T, M1048T, M1064T, M1092T, M1047T.
Identifiers: ClinVar variation 1377982 (VCV001377982.8), dbSNP rs1286963475, ClinGen allele CA358800973.
Genomic context (GRCh38, chr4:169,406,695, plus strand): 5'-TCTTCAATTTCATCTATTTCAAGATTGTCTTGACGAACATCTCCTACGGTGGGAACATCC[A>G]TAAGGGTTCTGAACAGCTTTGAGAGATCTGGAAGTGAACATGTCCTTAACATCTAAAATA-3'
Protein context (NP_001186326.1, residues 1082-1102): PDLSKLFRTL[Met1092Thr]DVPTVGDVRQ

ClinVar aggregate classification (germline): Uncertain significance (1 of 4 stars; one submission).

Conditions:
Short-rib thoracic dysplasia 6 with or without polydactyly (SRTD6). Also called: POLYDACTYLY WITH NEONATAL CHONDRODYSTROPHY, TYPE II; SHORT-RIB THORACIC DYSPLASIA 6 WITH POLYDACTYLY; SHORT-RIB THORACIC DYSPLASIA 6 WITHOUT POLYDACTYLY; Majewski Syndrome; SHORT RIB-POLYDACTYLY SYNDROME, TYPE IIA. Identifiers: MedGen C0024507, MONDO:0009894, OMIM 263520.

Allele frequency attached by ClinVar (database versions not stated): gnomAD exomes below 0.00001.

Submission:

Labcorp Genetics (formerly Invitae), Labcorp
Classification: Uncertain significance for Short-rib thoracic dysplasia 6 with or without polydactyly. Last evaluated: 2021-06-30. Review status: criteria provided, single submitter. Criteria: Invitae Variant Classification Sherloc (09022015). Collection method: clinical testing. Allele origin: germline.
Comment: This sequence change replaces methionine with threonine at codon 1064 of the NEK1 protein (p.Met1064Thr). The methionine residue is moderately conserved and there is a moderate physicochemical difference between methionine and threonine. This variant is not present in population databases (ExAC no frequency). This variant has not been reported in the literature in individuals affected with NEK1-related conditions. Advanced modeling of protein sequence and biophysical properties (such as structural, functional, and spatial information, amino acid conservation, physicochemical variation, residue mobility, and thermodynamic stability) performed at Invitae indicates that this missense variant is not expected to disrupt NEK1 protein function. In summary, the available evidence is currently insufficient to determine the role of this variant in disease. Therefore, it has been classified as a Variant of Uncertain Significance.